The following is an entry in ClinVar:

ClinVar aggregate classification (germline): Uncertain significance (1 of 4 stars; one submission).

Submission:

Labcorp Genetics (formerly Invitae), Labcorp
Classification: Uncertain significance. Last evaluated: 2024-04-08. Review status: criteria provided, single submitter. Criteria: Invitae Variant Classification Sherloc (09022015). Collection method: clinical testing. Allele origin: germline.
Comment: This sequence change replaces glycine, which is neutral and non-polar, with serine, which is neutral and polar, at codon 333 of the PRDM13 protein (p.Gly333Ser). This variant is not present in population databases (gnomAD no frequency). This variant has not been reported in the literature in individuals affected with PRDM13-related conditions. An algorithm developed to predict the effect of missense changes on protein structure and function (PolyPhen-2) suggests that this variant is likely to be tolerated. In summary, the available evidence is currently insufficient to determine the role of this variant in disease. Therefore, it has been classified as a Variant of Uncertain Significance.

NM_021620.4(PRDM13):c.997G>A (p.Gly333Ser)

Genes: PRDM13 (PR/SET domain 13; plus strand), LOC129996881 (ATAC-STARR-seq lymphoblastoid silent region 17422; plus strand). Cytogenetic location: 6q16.2.
Variant type: single nucleotide variant.
Coding change: c.997G>A on transcript NM_021620.4 (MANE Select); coding-DNA position 997, G replaced by A.
Protein change: p.Gly333Ser; replaces glycine 333 with serine.
Molecular consequence: missense variant.
Genome position (GRCh38, 1-based): chr6:99,613,632, G>A. VCF-style: chr6-99613632-G-A. GRCh37 (hg19) VCF-style: chr6-100061508-G-A.
Other names: short protein forms G333S.
Identifiers: ClinVar variation 3684256 (VCV003684256.2).